The following is an entry in ClinVar:

NM_001080517.3(SETD5):c.2438dup (p.Asn814fs)

Gene: SETD5 (SET domain containing 5; plus strand). Cytogenetic location: 3p25.3.
Variant type: Duplication.
Coding change: c.2438dup on transcript NM_001080517.3 (MANE Select); coding-DNA position 2438, one base duplicated (A; older notation c.2438dupA).
Protein change: p.Asn814fs; shifts the reading frame from asparagine 814.
Molecular consequence: frameshift variant.
Genome position (GRCh38, 1-based): chr3:9,453,830, A duplicated. VCF-style (leftmost placement, unchanged base first): chr3-9453829-G-GA. GRCh37 (hg19) VCF-style: chr3-9495513-G-GA.
Other names: c.2144dup, p.Asn716fs (NM_001292043.2, NM_001349451.2); short protein forms N716fs, N814fs.
Identifiers: ClinVar variation 1708229 (VCV001708229.2), dbSNP rs2473186223, ClinGen allele CA2580070680.

ClinVar aggregate classification (germline): Pathogenic (1 of 4 stars; one submission).

Conditions:
Intellectual disability-facial dysmorphism syndrome due to SETD5 haploinsufficiency (MRD23). Also called: Intellectual developmental disorder, autosomal dominant 23. Identifiers: Orphanet 404440, MedGen C3810406, MONDO:0014336, OMIM 615761.

Submission:

Genetics Laboratory, UDIAT-Centre Diagnòstic, Hospital Universitari Parc Tauli
Classification: Pathogenic for Intellectual disability-facial dysmorphism syndrome due to SETD5 haploinsufficiency. Last evaluated: 2022-10-04. Review status: criteria provided, single submitter. Criteria: Parc Tauli Hospital Assertion Criteria 2021. Collection method: clinical testing. Allele origin: de novo. Inheritance: Autosomal dominant inheritance. Affected: yes.
Comment: PVS1;PM2_supporting;PM6